The following is an entry in ClinVar:

NM_001148.6(ANK2):c.844G>A (p.Val282Met)

Gene: ANK2 (ankyrin 2; plus strand). Cytogenetic location: 4q26.
Variant type: single nucleotide variant.
Coding change: c.844G>A on transcript NM_001148.6 (MANE Select); coding-DNA position 844, G replaced by A.
Protein change: p.Val282Met; replaces valine 282 with methionine.
Molecular consequence: missense variant.
Genome position (GRCh38, 1-based): chr4:113,242,162, G>A. VCF-style: chr4-113242162-G-A. GRCh37 (hg19) VCF-style: chr4-114163318-G-A.
Other names: c.781G>A, p.Val261Met (NM_001127493.3, NM_001354243.2, NM_001354244.2 and 14 more transcripts); c.889G>A, p.Val297Met (NM_001354240.2, NM_001354241.2, NM_001354242.2 and 5 more transcripts); c.844G>A, p.Val282Met (NM_001354245.2, NM_001354246.2, NM_001354265.2 and 9 more transcripts); c.757G>A, p.Val253Met (NM_001354249.2, NM_001354266.2, NM_001354267.2 and 16 more transcripts); c.832G>A, p.Val278Met (NM_001354269.3, NM_001386148.2, NM_001386186.2); c.802G>A, p.Val268Met (NM_001386160.1, NM_001354261.2, NM_001386147.1); c.895G>A, p.Val299Met (NM_001386174.1); c.871G>A, p.Val291Met (NM_001386175.1); and 1 more; short protein forms V253M, V282M, V291M, V297M, V268M, V270M, V278M, V261M.
Identifiers: ClinVar variation 4097220 (VCV004097220.2).

ClinVar aggregate classification (germline): Uncertain significance (1 of 4 stars; one submission).

Conditions:
Cardiovascular phenotype. Identifiers: MedGen CN230736.

Submission:

Ambry Genetics
Classification: Uncertain significance for Cardiovascular phenotype. Last evaluated: 2025-10-14. Review status: criteria provided, single submitter. Criteria: Ambry Variant Classification Scheme 2023. Collection method: clinical testing. Allele origin: germline.
Comment: The c.844G>A (p.V282M) alteration is located in exon 9 (coding exon 9) of the ANK2 gene. This alteration results from a G to A substitution at nucleotide position 844, causing the valine (V) at amino acid position 282 to be replaced by a methionine (M). This variant was not reported in population-based cohorts in the Genome Aggregation Database (gnomAD). This amino acid position is highly conserved in available vertebrate species. This missense alteration is located in a region that has a low rate of benign missense variation (Lek, 2016; Firth, 2009). This alteration is predicted to be deleterious by in silico analysis. Based on insufficient or conflicting evidence, the clinical significance of this alteration remains unclear.